The following is an entry in ClinVar:

ClinVar aggregate classification (germline): Pathogenic (1 of 4 stars; one submission).

Conditions:
Hereditary cancer-predisposing syndrome. Also called: Neoplastic Syndromes, Hereditary; Hereditary Cancer Syndrome; Tumor predisposition; Hereditary neoplastic syndrome. Identifiers: Orphanet 140162, MedGen C0027672, MeSH D009386, MONDO:0015356.

Submission:

Ambry Genetics
Classification: Pathogenic for Hereditary cancer-predisposing syndrome. Last evaluated: 2025-03-05. Review status: criteria provided, single submitter. Criteria: Ambry Variant Classification Scheme 2023. Collection method: clinical testing. Allele origin: germline.
Comment: The c.1340delG pathogenic mutation, located in coding exon 9 of the ATM gene, results from a deletion of one nucleotide at nucleotide position 1340, causing a translational frameshift with a predicted alternate stop codon (p.R447Hfs*26). This variant is considered to be rare based on population cohorts in the Genome Aggregation Database (gnomAD). This alteration is expected to result in loss of function by premature protein truncation or nonsense-mediated mRNA decay. As such, this alteration is interpreted as a disease-causing mutation.

NM_000051.4(ATM):c.1340del (p.Arg447fs)

Gene: ATM (ATM serine/threonine kinase; plus strand). Cytogenetic location: 11q22.3.
Variant type: Deletion.
Coding change: c.1340del on transcript NM_000051.4 (MANE Select); coding-DNA position 1340, one base deleted (G; older notation c.1340delG).
Protein change: p.Arg447fs; shifts the reading frame from arginine 447.
Molecular consequence: frameshift variant.
Genome position (GRCh38, 1-based): chr11:108,250,805, G deleted. VCF-style (leftmost placement, unchanged base first): chr11-108250804-CG-C. GRCh37 (hg19) VCF-style: chr11-108121531-CG-C.
Other names: c.1340del, p.Arg447fs (NM_001351834.2); short protein forms R447fs.
Identifiers: ClinVar variation 3802736 (VCV003802736.1).
Genomic context (GRCh38, chr11:108,250,804, plus strand): 5'-TTACCTAACTGTGAGCTGTCTCCATTACTGATGATACTATCTCAGCTTCTACCCCAACAG[CG>C]ACATGGGGAACGTACACCATATGTGTTACGATGCCTTACGGAAGTTGCATTGTGTCAAGA-3'